The following is an entry in ClinVar:

ClinVar aggregate classification (germline): Uncertain significance (1 of 4 stars; one submission).

Submission:

GeneDx
Classification: Uncertain significance. Last evaluated: 2026-03-22. Review status: criteria provided, single submitter. Criteria: GeneDx Variant Classification Process June 2021. Collection method: clinical testing. Allele origin: germline.
Comment: Not observed at significant frequency in large population cohorts (gnomAD); In silico analysis supports that this missense variant has a deleterious effect on protein structure/function; Has not been previously published as pathogenic or benign to our knowledge

NM_000702.4(ATP1A2):c.2428G>A (p.Gly810Ser)

Gene: ATP1A2 (ATPase Na+/K+ transporting subunit alpha 2; plus strand). Cytogenetic location: 1q23.2.
Variant type: single nucleotide variant.
Coding change: c.2428G>A on transcript NM_000702.4 (MANE Select); coding-DNA position 2428, G replaced by A.
Protein change: p.Gly810Ser; replaces glycine 810 with serine.
Molecular consequence: missense variant.
Genome position (GRCh38, 1-based): chr1:160,135,982, G>A. VCF-style: chr1-160135982-G-A. GRCh37 (hg19) VCF-style: chr1-160105772-G-A.
Other names: short protein forms G810S.
Identifiers: ClinVar variation 5017208 (VCV005017208.1).